The following is an entry in ClinVar:

ClinVar aggregate classification (germline): Pathogenic (1 of 4 stars; one submission).

Conditions:
Propionic acidemia (PROP). Also called: GLYCINEMIA, KETOTIC; HYPERGLYCINEMIA WITH KETOACIDOSIS AND LEUKOPENIA; KETOTIC HYPERGLYCINEMIA. Identifiers: Orphanet 35, MedGen C0268579, MONDO:0011628, OMIM 606054, HP:0003571.

Allele frequency attached by ClinVar (database versions not stated): gnomAD exomes below 0.00001.
gnomAD v4.1: 1 of 1,433,942 alleles (0.00007%); highest among the groups gnomAD compares: Non-Finnish European, 0.000094%; no homozygotes.

Submission:

Labcorp Genetics (formerly Invitae), Labcorp
Classification: Pathogenic for Propionic acidemia. Last evaluated: 2024-11-08. Review status: criteria provided, single submitter. Criteria: Invitae Variant Classification Sherloc (09022015). Collection method: clinical testing. Allele origin: germline.
Comment: This sequence change creates a premature translational stop signal (p.Ser245*) in the PCCA gene. It is expected to result in an absent or disrupted protein product. Loss-of-function variants in PCCA are known to be pathogenic (PMID: 15464417). This variant is not present in population databases (gnomAD no frequency). This premature translational stop signal has been observed in individual(s) with propionic acidemia (PMID: 35331292). ClinVar contains an entry for this variant (Variation ID: 2677492). For these reasons, this variant has been classified as Pathogenic.

Literature cited by the submitters: PubMed 15464417; PubMed 35331292.

NM_000282.4(PCCA):c.734C>A (p.Ser245Ter)

Gene: PCCA (propionyl-CoA carboxylase subunit alpha; plus strand). Cytogenetic location: 13q32.3.
Variant type: single nucleotide variant.
Coding change: c.734C>A on transcript NM_000282.4 (MANE Select); coding-DNA position 734, C replaced by A.
Protein change: p.Ser245Ter; replaces serine 245 with a stop codon.
Molecular consequence: nonsense. On other transcripts: 5 prime UTR variant (3), non-coding transcript variant (5).
Genome position (GRCh38, 1-based): chr13:100,262,746, C>A. VCF-style: chr13-100262746-C-A. GRCh37 (hg19) VCF-style: chr13-100915000-C-A.
Other names: c.656C>A, p.Ser219Ter (NM_001127692.3, NM_001352607.2, NM_001352608.2); c.734C>A, p.Ser245Ter (NM_001178004.2, NM_001352605.2, NM_001352606.2 and 1 more transcripts); c.-212C>A (NM_001352610.2, NM_001352611.2, NM_001352612.2); short protein forms S219*, S245*.
Identifiers: ClinVar variation 2677492 (VCV002677492.5), dbSNP rs1594992191, ClinGen allele CA388694249.